The following is an entry in ClinVar:

NM_001128840.3(CACNA1D):c.1633T>C (p.Tyr545His)

Gene: CACNA1D (calcium voltage-gated channel subunit alpha1 D; plus strand). Cytogenetic location: 3p21.1.
Variant type: single nucleotide variant.
Coding change: c.1633T>C on transcript NM_001128840.3 (MANE Select); coding-DNA position 1633, T replaced by C.
Protein change: p.Tyr545His; replaces tyrosine 545 with histidine.
Molecular consequence: missense variant.
Genome position (GRCh38, 1-based): chr3:53,722,441, T>C. VCF-style: chr3-53722441-T-C. GRCh37 (hg19) VCF-style: chr3-53756468-T-C.
Other names: c.1693T>C, p.Tyr565His (NM_000720.4); c.1633T>C, p.Tyr545His (NM_001128839.3); short protein forms Y565H, Y545H.
Identifiers: ClinVar variation 2786498 (VCV002786498.3), dbSNP rs2094891960, ClinGen allele CA353236579.

ClinVar aggregate classification (germline): Uncertain significance (1 of 4 stars; one submission).

Submission:

Labcorp Genetics (formerly Invitae), Labcorp
Classification: Uncertain significance. Last evaluated: 2023-06-04. Review status: criteria provided, single submitter. Criteria: Invitae Variant Classification Sherloc (09022015). Collection method: clinical testing. Allele origin: germline.
Comment: In summary, the available evidence is currently insufficient to determine the role of this variant in disease. Therefore, it has been classified as a Variant of Uncertain Significance. This sequence change replaces tyrosine, which is neutral and polar, with histidine, which is basic and polar, at codon 565 of the CACNA1D protein (p.Tyr565His). This variant is not present in population databases (gnomAD no frequency). This variant has not been reported in the literature in individuals affected with CACNA1D-related conditions. An algorithm developed to predict the effect of missense changes on protein structure and function (PolyPhen-2) suggests that this variant is likely to be disruptive.